The following is an entry in ClinVar:

ClinVar aggregate classification (germline): Uncertain significance (1 of 4 stars; one submission).

Allele frequency attached by ClinVar (database versions not stated): gnomAD exomes below 0.00001.
gnomAD v4.1: 1 of 1,606,706 alleles (0.000062%); highest among the groups gnomAD compares: East Asian, 0.0022%; no homozygotes.

Submission:

Labcorp Genetics (formerly Invitae), Labcorp
Classification: Uncertain significance. Last evaluated: 2021-04-16. Review status: criteria provided, single submitter. Criteria: Invitae Variant Classification Sherloc (09022015). Collection method: clinical testing. Allele origin: germline.
Comment: This variant is not present in population databases (ExAC no frequency). In summary, the available evidence is currently insufficient to determine the role of this variant in disease. Therefore, it has been classified as a Variant of Uncertain Significance. Nucleotide substitutions within the consensus splice site are a relatively common cause of aberrant splicing (PMID: 17576681, 9536098). Algorithms developed to predict the effect of sequence changes on RNA splicing suggest that this variant is not likely to affect RNA splicing, but this prediction has not been confirmed by published transcriptional studies. This variant has not been reported in the literature in individuals with CPLANE1-related conditions. This sequence change falls in intron 34 of the CPLANE1 gene. It does not directly change the encoded amino acid sequence of the CPLANE1 protein. It affects a nucleotide within the consensus splice site of the intron.

Literature cited by the submitters: PubMed 17576681; PubMed 9536098.

NM_001384732.1(CPLANE1):c.7233+6G>T

Gene: CPLANE1 (ciliogenesis and planar polarity effector complex subunit 1; minus strand). Cytogenetic location: 5p13.2.
Variant type: single nucleotide variant.
Coding change: c.7233+6G>T on transcript NM_001384732.1 (MANE Select); 6 bases into the intron after coding-DNA position 7233, G replaced by T.
Molecular consequence: intron variant.
Genome position (GRCh38, 1-based): chr5:37,168,785, C>A on the plus strand (G>T on the coding strand, the complement: CPLANE1 is on the minus strand). VCF-style: chr5-37168785-C-A. GRCh37 (hg19) VCF-style: chr5-37168887-C-A.
Other names: c.7233+6G>T (NM_023073.4).
Identifiers: ClinVar variation 1367275 (VCV001367275.6), dbSNP rs1436226793, ClinGen allele CA559295457.